The following is an entry in ClinVar:

NM_021930.6(RINT1):c.601C>T (p.Leu201Phe)

Gene: RINT1 (RAD50 interactor 1; plus strand). Cytogenetic location: 7q22.3.
Variant type: single nucleotide variant.
Coding change: c.601C>T on transcript NM_021930.6 (MANE Select); coding-DNA position 601, C replaced by T.
Protein change: p.Leu201Phe; replaces leucine 201 with phenylalanine.
Molecular consequence: missense variant. On other transcripts: 5 prime UTR variant (2), non-coding transcript variant (1), intron variant (1).
Genome position (GRCh38, 1-based): chr7:105,546,995, C>T. VCF-style: chr7-105546995-C-T. GRCh37 (hg19) VCF-style: chr7-105187442-C-T.
Other names: c.367C>T, p.Leu123Phe (NM_001346599.2); c.-419C>T (NM_001346600.2); c.-322C>T (NM_001346601.2); c.-27-3060C>T (NM_001346603.2); short protein forms L123F, L201F.
Identifiers: ClinVar variation 1751113 (VCV001751113.2), dbSNP rs2485122845, ClinGen allele CA368805488.
Genomic context (GRCh38, chr7:105,546,995, plus strand): 5'-ACCAATAATGTACCGGAGGCAGCCTCCACTCTAGTGTCTATGGCAGAACTTGACATTAAA[C>T]TTCAGGAATCATCTTGTACTCATCTTCTTGGTTTCATGAGAGCCACAGTTAAATTCTGGC-3'
Protein context (NP_068749.3, residues 191-211): LVSMAELDIK[Leu201Phe]QESSCTHLLG

ClinVar aggregate classification (germline): Uncertain significance (1 of 4 stars; one submission).

Submission:

Ambry Genetics
Classification: Uncertain significance. Last evaluated: 2022-08-07. Review status: criteria provided, single submitter. Criteria: Ambry Variant Classification Scheme 2023. Collection method: clinical testing. Allele origin: germline.
Comment: The p.L201F variant (also known as c.601C>T), located in coding exon 5 of the RINT1 gene, results from a C to T substitution at nucleotide position 601. The leucine at codon 201 is replaced by phenylalanine, an amino acid with highly similar properties. This amino acid position is conserved. In addition, this alteration is predicted to be tolerated by in silico analysis. Since supporting evidence is limited at this time, the clinical significance of this alteration remains unclear.